The following is an entry in ClinVar:

NM_004360.5(CDH1):c.234C>T (p.Gly78=)

Gene: CDH1 (cadherin 1; plus strand). Cytogenetic location: 16q22.1.
Variant type: single nucleotide variant.
Coding change: c.234C>T on transcript NM_004360.5 (MANE Select); coding-DNA position 234, C replaced by T.
Protein change: p.Gly78=; no amino-acid change (glycine 78 retained).
Molecular consequence: synonymous variant. On other transcripts: 5 prime UTR variant (2).
Genome position (GRCh38, 1-based): chr16:68,801,740, C>T. VCF-style: chr16-68801740-C-T. GRCh37 (hg19) VCF-style: chr16-68835643-C-T.
Other names: c.234C>T (LRG_301t1); c.234C>T, p.Gly78= (NM_001317184.2); c.-1382C>T (NM_001317185.2); c.-1586C>T (NM_001317186.2).
Identifiers: ClinVar variation 414052 (VCV000414052.14), dbSNP rs1060504174, ClinGen allele CA16614933.

ClinVar aggregate classification (germline): Benign/Likely benign. Review status: criteria provided, multiple submitters, no conflicts (2 of 4 stars). 4 submissions from 4 submitters: Benign (1); Likely benign (3). Last evaluated 2025-06-29.

Conditions:
Hereditary cancer-predisposing syndrome. Also called: Tumor predisposition; Neoplastic Syndromes, Hereditary; Hereditary Cancer Syndrome; Hereditary neoplastic syndrome. Identifiers: Orphanet 140162, MedGen C0027672, MeSH D009386, MONDO:0015356.
Hereditary diffuse gastric adenocarcinoma (HDGC). Also called: DIFFUSE GASTRIC AND LOBULAR BREAST CANCER SYNDROME. Identifiers: Orphanet 26106, MedGen C1708349, MONDO:0007648, OMIM 137215.

Allele frequency attached by ClinVar (database versions not stated): gnomAD exomes below 0.00001.
gnomAD v4.1: 2 of 1,614,114 alleles (0.00012%); highest among the groups gnomAD compares: Middle Eastern, 0.016%; no homozygotes.

Submissions (4):

Labcorp Genetics (formerly Invitae), Labcorp
Classification: Likely benign for Hereditary diffuse gastric adenocarcinoma. Last evaluated: 2025-06-29. Review status: criteria provided, single submitter. Criteria: Invitae Variant Classification Sherloc (09022015). Collection method: clinical testing. Allele origin: germline.

Myriad Genetics, Inc.
Classification: Benign for Hereditary diffuse gastric adenocarcinoma. Last evaluated: 2024-09-12. Review status: criteria provided, single submitter. Criteria: Myriad Autosomal Dominant, Autosomal Recessive and X-Linked Classification Criteria (2023). Collection method: clinical testing. Allele origin: unknown.
Comment: This variant is considered benign. This variant is a silent/synonymous amino acid change and it is not expected to impact splicing.

Color Diagnostics, LLC DBA Color Health
Classification: Likely benign for Hereditary cancer-predisposing syndrome. Last evaluated: 2019-06-24. Review status: criteria provided, single submitter. Criteria: ACMG Guidelines, 2015. Collection method: clinical testing. Allele origin: germline.

Ambry Genetics
Classification: Likely benign for Hereditary cancer-predisposing syndrome. Last evaluated: 2019-05-28. Review status: criteria provided, single submitter. Criteria: Ambry Variant Classification Scheme 2023. Collection method: clinical testing. Allele origin: germline.